The following is an entry in ClinVar:

ClinVar aggregate classification (germline): Uncertain significance (1 of 4 stars; one submission).

Conditions:
Inborn genetic diseases. Identifiers: MedGen C0950123, MeSH D030342.

gnomAD v4.1: 4 of 1,614,024 alleles (0.00025%); highest among the groups gnomAD compares: Middle Eastern, 0.016%; no homozygotes.

Submission:

Ambry Genetics
Classification: Uncertain significance for Inborn genetic diseases. Last evaluated: 2021-04-30. Review status: criteria provided, single submitter. Criteria: Ambry Variant Classification Scheme 2023. Collection method: clinical testing. Allele origin: germline.
Comment: The c.867+5G>A intronic alteration consists of a G to A substitution nucleotides after coding exon 7 in the COQ9 gene. Based on insufficient or conflicting evidence, the clinical significance of this alteration remains unclear.

NM_020312.4(COQ9):c.867+5G>A

Gene: COQ9 (coenzyme Q9; plus strand). Cytogenetic location: 16q21.
Variant type: single nucleotide variant.
Coding change: c.867+5G>A on transcript NM_020312.4 (MANE Select); 5 bases into the intron after coding-DNA position 867, G replaced by A.
Molecular consequence: intron variant.
Genome position (GRCh38, 1-based): chr16:57,459,725, G>A. VCF-style: chr16-57459725-G-A. GRCh37 (hg19) VCF-style: chr16-57493637-G-A.
Identifiers: ClinVar variation 2230197 (VCV002230197.2), dbSNP rs757749067, ClinGen allele CA281553676.
Genomic context (GRCh38, chr16:57,459,725, plus strand): 5'-GCTTCCTGGAAAACCGGGTTAATGATGCAATGAACATGGGCCACACTGCCAAGCAGGTAG[G>A]TGGGGACTAGCCATTGGGGAACCCTCTTTAGAAGGCATACCTATTCTCCTCAGGTCACAG-3'